The following continues an entry in ClinVar:

NM_000051.4(ATM):c.8494C>T (p.Arg2832Cys)

ClinVar aggregate classification (germline): Likely pathogenic. Likely pathogenic (1). ClinVar aggregate classification (somatic clinical impact): Tier I - Strong.

Submissions 24 to 32 of 32:

Mendelics
Classification: Pathogenic for Ataxia-telangiectasia syndrome. Last evaluated: 2018-07-02. Review status: criteria provided, single submitter. Criteria: Mendelics Assertion Criteria 2017. Collection method: clinical testing. Allele origin: unknown. Not counted in ClinVar's aggregate classification.

Centre for Mendelian Genomics, University Medical Centre Ljubljana
Classification: Likely pathogenic for Familial cancer of breast. Last evaluated: 2016-01-01. Review status: criteria provided, single submitter. Criteria: ACMG Guidelines, 2015. Collection method: clinical testing. Allele origin: unknown. Affected: yes. Not counted in ClinVar's aggregate classification.
Comment: This variant was classified as: Likely pathogenic. The following ACMG criteria were applied in classifying this variant: PS3,PM2,PP4,PP3.

Lifecell International Pvt. Ltd
Classification: Pathogenic for Ataxia-telangiectasia syndrome. Review status: criteria provided, single submitter. Criteria: ACMG Guidelines, 2015. Collection method: clinical testing. Allele origin: germline. Inheritance: Autosomal recessive inheritance. Affected: yes. Observed: 1 homozygote. Not counted in ClinVar's aggregate classification.
Comment: A Homozygote Missense variant c.8494C>T in Exon 58 of the ATM gene that results in the amino acid substitution p.Arg2832Cys was identified. The observed variant has a minor allele frequency of 0.00003% in gnomAD exomes and genomes, respectively. The severity of the impact of this variant on the protein is high, based on the effect of the protein and REVEL score. Rare Exome Variant Ensemble Learner (REVEL) is an ensembl method for predicting the pathogenicity of missense variants based on a combination of scores from 13 individual tools: MutPred, FATHMM v2.3, VEST 3.0, PolyPhen-2, SIFT, PROVEAN, MutationAssessor, MutationTaster, LRT, GERP++, SiPhy, phyloP, and phastCons. The REVEL score for an individual missense variant can range from 0 to 1, with higher scores reflecting greater likelihood that the variant is disease-causing. ClinVar has also classified this variant as Pathogenic/LikelyPathogenic. (Variation ID: 127459). The variant has been previously reported for Ataxia-Telangiectasia by Telatar M, et al., 1988. Experimental study revealed the missense variant affects the protein function (Mitui M, et al., 2009). Based on the above evidence this variant has been classified as Pathogenic according to the ACMG guidelines.

Laboratory for Genotyping Development, RIKEN
Classification: Pathogenic for Gastric cancer. Last evaluated: 2021-07-01. Review status: no assertion criteria provided. Collection method: research. Allele origin: germline. Not counted in ClinVar's aggregate classification.

Counsyl
Classification: Likely pathogenic for Ataxia-telangiectasia syndrome. Last evaluated: 2014-09-23. Review status: no assertion criteria provided. Collection method: literature only. Allele origin: unknown. Inheritance: Autosomal recessive inheritance. Not counted in ClinVar's aggregate classification.

Clinical Genetics DNA and cytogenetics Diagnostics Lab, Erasmus MC, Erasmus Medical Center
Classification: Pathogenic. Review status: no assertion criteria provided. Collection method: clinical testing. Allele origin: germline. Affected: yes. Study: VKGL Data-share Consensus. Not counted in ClinVar's aggregate classification.

Diagnostic Laboratory, Department of Genetics, University Medical Center Groningen
Classification: Pathogenic. Review status: no assertion criteria provided. Collection method: clinical testing. Allele origin: germline. Affected: yes. Study: VKGL Data-share Consensus. Not counted in ClinVar's aggregate classification.

GeneReviews
No classification provided. Condition: Ataxia-telangiectasia syndrome. Review status: no classification provided. Collection method: literature only. Allele origin: germline. Affected: yes. Not counted in ClinVar's aggregate classification.

Immunology, Asthma and Allergy Research Institute, Tehran University of Medical Sciences
Classification: Pathogenic for Ataxia-telangiectasia syndrome. Review status: no assertion criteria provided. Collection method: research. Allele origin: inherited. Affected: yes. Not counted in ClinVar's aggregate classification.

Literature cited by the submitters: PubMed 9443866 (cited by 5 submitters); PubMed 10817650 (cited by 5 submitters); PubMed 10873394 (cited by 7 submitters); PubMed 12552559 (cited by 5 submitters); PubMed 18634022 (cited by 12 submitters); PubMed 26681312 (cited by 4 submitters); PubMed 19431188 (cited by 6 submitters); PubMed 12673797 (cited by 3 submitters); PubMed 19147735 (cited by Color Diagnostics, LLC DBA Color Health); PubMed 21792198 (cited by Color Diagnostics, LLC DBA Color Health and Myriad Genetics, Inc.); PubMed 22017321 (cited by 6 submitters); PubMed 26022348 (cited by 4 submitters); PubMed 26846839 (cited by Color Diagnostics, LLC DBA Color Health and Natera, Inc.); PubMed 26896183 (cited by 3 submitters); PubMed 28008555 (cited by 3 submitters); PubMed 29665859 (cited by Color Diagnostics, LLC DBA Color Health); PubMed 30093976 (cited by 4 submitters); PubMed 37802069 (cited by Natera, Inc.); PubMed 30338439 (cited by Natera, Inc.); PubMed 30303537 (cited by Athena Diagnostics and Quest Diagnostics Nichols Institute San Juan Capistrano); PubMed 28779002 (cited by Athena Diagnostics and Quest Diagnostics Nichols Institute San Juan Capistrano); PubMed 30549301 (cited by Athena Diagnostics and Quest Diagnostics Nichols Institute San Juan Capistrano); PubMed 28195393 (cited by 3 submitters); PubMed 33763779 (cited by Athena Diagnostics and Quest Diagnostics Nichols Institute San Juan Capistrano); PubMed 35264596 (cited by Athena Diagnostics and Quest Diagnostics Nichols Institute San Juan Capistrano); PubMed 35365198 (cited by Athena Diagnostics and Quest Diagnostics Nichols Institute San Juan Capistrano); PubMed 38355628 (cited by Athena Diagnostics and Quest Diagnostics Nichols Institute San Juan Capistrano); PubMed 33471991 (cited by 3 submitters); PubMed 30287823 (cited by Athena Diagnostics and Quest Diagnostics Nichols Institute San Juan Capistrano); PubMed 28966033 (cited by Institute for Genomic Medicine (IGM) Clinical Laboratory, Nationwide Children's Hospital); PubMed 29763623 (cited by Institute for Genomic Medicine (IGM) Clinical Laboratory, Nationwide Children's Hospital); PubMed 28912153 (cited by Institute for Genomic Medicine (IGM) Clinical Laboratory, Nationwide Children's Hospital); PubMed 21665257 (cited by Myriad Genetics, Inc. and Sema4); PubMed 36988593 (cited by Laboratory for Genotyping Development, RIKEN); NCBI Bookshelf NBK26468 (cited by GeneReviews).